The following is an entry in ClinVar:

NM_138694.4(PKHD1):c.3761C>G (p.Ala1254Gly)

Gene: PKHD1 (PKHD1 ciliary IPT domain containing fibrocystin/polyductin; minus strand). Cytogenetic location: 6p12.2.
Variant type: single nucleotide variant.
Coding change: c.3761C>G on transcript NM_138694.4 (MANE Select); coding-DNA position 3761, C replaced by G.
Protein change: p.Ala1254Gly; replaces alanine 1254 with glycine.
Molecular consequence: missense variant.
Genome position (GRCh38, 1-based): chr6:52,026,049, G>C on the plus strand (C>G on the coding strand, the complement: PKHD1 is on the minus strand). VCF-style: chr6-52026049-G-C. GRCh37 (hg19) VCF-style: chr6-51890847-G-C.
Other names: c.3761C>G, p.Ala1254Gly (NM_170724.3); short protein forms A1254G.
Identifiers: ClinVar variation 911087 (VCV000911087.15), dbSNP rs148901752, ClinGen allele CA3852847.

ClinVar aggregate classification (germline): Conflicting classifications of pathogenicity. Review status: criteria provided, conflicting classifications (1 of 4 stars). 5 submissions from 5 submitters: Uncertain significance (3); Benign (1). 1 of the submissions does not count toward it. Last evaluated 2026-08-27.

Conditions:
Polycystic kidney disease 4 (PKD4). Also called: POLYCYSTIC KIDNEY DISEASE 4 WITH OR WITHOUT POLYCYSTIC LIVER DISEASE; POLYCYSTIC KIDNEY AND HEPATIC DISEASE 1; POLYCYSTIC KIDNEY DISEASE, INFANTILE, TYPE I; PKD3; Autosomal Recessive Polycystic Kidney Disease – PKHD1. Identifiers: MedGen C4540575, MONDO:0033004, OMIM 263200.
PKHD1-related disorder. Also called: PKHD1-related condition.
Autosomal recessive polycystic kidney disease (ARPKD). Also called: AR polycystic kidney disease. Identifiers: Orphanet 731, Orphanet 8378, MedGen C0085548, MeSH D017044, MONDO:0009889.

Allele frequency attached by ClinVar (database versions not stated): gnomAD 0.00019 and 0.00023; TOPMed 0.00034; ExAC 0.00040; gnomAD exomes 0.00051.
gnomAD v4.1: 304 of 1,614,024 alleles (0.019%); highest among the groups gnomAD compares: Admixed American, 0.098%; no homozygotes.

Submissions (5):

Myriad Genetics, Inc.
Classification: Uncertain significance for Polycystic kidney disease 4. Last evaluated: 2026-08-27. Review status: criteria provided, single submitter. Criteria: Myriad Autosomal Dominant, Autosomal Recessive and X-Linked Classification Criteria (2023). Collection method: clinical testing. Allele origin: unknown.
Comment: NM_138694.3(PKHD1):c.3761C>G(A1254G) is a missense variant classified as a variant of uncertain significance in the context of autosomal recessive polycystic kidney disease, PKHD1-related. A1254G has been observed in a case with relevant disease (PMID: 41751613). Relevant functional assessments of this variant are not available in the literature. A1254G has been observed in referenced population frequency databases. In summary, there is insufficient evidence to classify NM_138694.3(PKHD1):c.3761C>G(A1254G) as pathogenic or benign. Please note: this variant was assessed in the context of healthy population screening.

Labcorp Genetics (formerly Invitae), Labcorp
Classification: Benign for Autosomal recessive polycystic kidney disease. Last evaluated: 2026-01-28. Review status: criteria provided, single submitter. Criteria: Invitae Variant Classification Sherloc (09022015). Collection method: clinical testing. Allele origin: germline.

GeneDx
Classification: Uncertain significance. Last evaluated: 2024-05-01. Review status: criteria provided, single submitter. Criteria: GeneDx Variant Classification Process June 2021. Collection method: clinical testing. Allele origin: germline. Affected: yes.
Comment: In silico analysis indicates that this missense variant does not alter protein structure/function; Has not been previously published as pathogenic or benign to our knowledge

Illumina Laboratory Services, Illumina
Classification: Uncertain significance for Polycystic kidney disease 4. Last evaluated: 2017-04-27. Review status: criteria provided, single submitter. Criteria: ICSL Variant Classification Criteria 13 December 2019. Collection method: clinical testing. Allele origin: germline.

PreventionGenetics, part of Exact Sciences
Classification: Likely benign for PKHD1-related condition. Last evaluated: 2022-05-04. Review status: no assertion criteria provided. Collection method: clinical testing. Allele origin: germline. Not counted in ClinVar's aggregate classification.
Comment: This variant is classified as likely benign based on ACMG/AMP sequence variant interpretation guidelines (Richards et al. 2015 PMID: 25741868, with internal and published modifications).

Literature cited by the submitters: PubMed 41751613 (cited by Myriad Genetics, Inc.).